The following is an entry in ClinVar:

ClinVar aggregate classification (germline): Uncertain significance (1 of 4 stars; one submission).

Conditions:
Cardiomyopathy (CMYO). Also called: Cardiomyopathies. Identifiers: Orphanet 167848, MedGen C0878544, MONDO:0004994, HP:0001638. Inheritance: Various modes of inheritance.

Submission:

Color Diagnostics, LLC DBA Color Health
Classification: Uncertain significance for Cardiomyopathy. Last evaluated: 2025-09-05. Review status: criteria provided, single submitter. Criteria: ACMG Guidelines, 2015. Collection method: clinical testing. Allele origin: germline.
Comment: This variant is located in the 5' untranslated region of the TMEM43 gene. To our knowledge, functional studies have not been reported for this variant. This variant has not been reported in individuals affected with TMEM43-related disorders in the literature. This variant has not been identified in the general population by the Genome Aggregation Database (gnomAD). The available evidence is insufficient to determine the role of this variant in disease conclusively. Therefore, this variant is classified as a Variant of Uncertain Significance.

NM_024334.3(TMEM43):c.-8G>C

Gene: TMEM43 (transmembrane protein 43; plus strand). Cytogenetic location: 3p25.1.
Variant type: single nucleotide variant.
Coding change: c.-8G>C on transcript NM_024334.3 (MANE Select); 8 bases upstream of the start codon, G replaced by C.
Molecular consequence: 5 prime UTR variant.
Genome position (GRCh38, 1-based): chr3:14,125,186, G>C. VCF-style: chr3-14125186-G-C. GRCh37 (hg19) VCF-style: chr3-14166686-G-C.
Other names: c.-8G>C (NM_001407274.1, NM_001407275.1, NM_001407276.1 and 4 more transcripts).
Identifiers: ClinVar variation 4757882 (VCV004757882.1).